The following is an entry in ClinVar:

ClinVar aggregate classification (germline): Uncertain significance (1 of 4 stars; one submission).

Conditions:
Dilated cardiomyopathy 1II (CMD1II). Identifiers: Orphanet 154, MedGen C3554649, MONDO:0014073, OMIM 615184.

Allele frequency attached by ClinVar (database versions not stated): gnomAD exomes below 0.00001; ExAC 0.00001; gnomAD 0.00001; 1000 Genomes Project 30x 0.00016; 1000 Genomes Project 0.00020.
gnomAD v4.1: 5 of 1,614,170 alleles (0.00031%); highest among the groups gnomAD compares: Admixed American, 0.0017%; no homozygotes.

Submission:

Labcorp Genetics (formerly Invitae), Labcorp
Classification: Uncertain significance for Dilated cardiomyopathy 1II. Last evaluated: 2025-08-15. Review status: criteria provided, single submitter. Criteria: Invitae Variant Classification Sherloc (09022015). Collection method: clinical testing. Allele origin: germline.
Comment: This sequence change replaces aspartic acid, which is acidic and polar, with glycine, which is neutral and non-polar, at codon 96 of the CRYAB protein (p.Asp96Gly). This variant is present in population databases (rs553865461, gnomAD 0.003%). This variant has not been reported in the literature in individuals affected with CRYAB-related conditions. ClinVar contains an entry for this variant (Variation ID: 662761). An algorithm developed to predict the effect of missense changes on protein structure and function (PolyPhen-2) suggests that this variant is likely to be disruptive. In summary, the available evidence is currently insufficient to determine the role of this variant in disease. Therefore, it has been classified as a Variant of Uncertain Significance.

NM_001289808.2(CRYAB):c.287A>G (p.Asp96Gly)

Gene: CRYAB (crystallin alpha B; minus strand). Cytogenetic location: 11q23.1.
Variant type: single nucleotide variant.
Coding change: c.287A>G on transcript NM_001289808.2 (MANE Select); coding-DNA position 287, A replaced by G.
Protein change: p.Asp96Gly; replaces aspartic acid 96 with glycine.
Molecular consequence: missense variant.
Genome position (GRCh38, 1-based): chr11:111,910,364, T>C on the plus strand (A>G on the coding strand, the complement: CRYAB is on the minus strand). VCF-style: chr11-111910364-T-C. GRCh37 (hg19) VCF-style: chr11-111781088-T-C.
Other names: c.287A>G, p.Asp96Gly (NM_001289807.1, NM_001368245.1, NM_001885.3); c.86A>G, p.Asp29Gly (NM_001330379.1, NM_001368246.1); short protein forms D96G, D29G.
Identifiers: ClinVar variation 662761 (VCV000662761.9), dbSNP rs553865461, ClinGen allele CA6275529.